The following is an entry in ClinVar:

NM_000238.4(KCNH2):c.2026C>G (p.Gln676Glu)

Gene: KCNH2 (potassium voltage-gated channel subfamily H member 2; minus strand). Cytogenetic location: 7q36.1.
Variant type: single nucleotide variant.
Coding change: c.2026C>G on transcript NM_000238.4 (MANE Select); coding-DNA position 2026, C replaced by G.
Protein change: p.Gln676Glu; replaces glutamine 676 with glutamic acid.
Molecular consequence: missense variant. On other transcripts: non-coding transcript variant (2).
Genome position (GRCh38, 1-based): chr7:150,951,040, G>C on the plus strand (C>G on the coding strand, the complement: KCNH2 is on the minus strand). VCF-style: chr7-150951040-G-C. GRCh37 (hg19) VCF-style: chr7-150648128-G-C.
Other names: c.1849C>G, p.Gln617Glu (NM_001406755.1); c.1738C>G, p.Gln580Glu (NM_001406756.1, NM_001406753.1); c.1006C>G, p.Gln336Glu (NM_172057.3, NM_001204798.2); c.1726C>G, p.Gln576Glu (NM_001406757.1); c.2026C>G, p.Gln676Glu (NM_172056.3); short protein forms Q576E, Q676E, Q336E, Q580E, Q617E.
Identifiers: ClinVar variation 4090317 (VCV004090317.2).

ClinVar aggregate classification (germline): Uncertain significance. Review status: criteria provided, multiple submitters, no conflicts (2 of 4 stars). 2 submissions from 2 submitters: Uncertain significance (2). Last evaluated 2025-11-03.

Conditions:
Cardiovascular phenotype. Identifiers: MedGen CN230736.
Long QT syndrome (LQTS). Identifiers: MedGen C0023976, MeSH D008133, MONDO:0002442. Disease mechanism: loss of function. Inheritance: Various modes of inheritance.

Submissions (2):

Labcorp Genetics (formerly Invitae), Labcorp
Classification: Uncertain significance for Long QT syndrome. Last evaluated: 2025-11-03. Review status: criteria provided, single submitter. Criteria: Invitae Variant Classification Sherloc (09022015). Collection method: clinical testing. Allele origin: germline.
Comment: This sequence change replaces glutamine, which is neutral and polar, with glutamic acid, which is acidic and polar, at codon 676 of the KCNH2 protein (p.Gln676Glu). This variant is not present in population databases (gnomAD no frequency). This variant has not been reported in the literature in individuals affected with KCNH2-related conditions. ClinVar contains an entry for this variant (Variation ID: 4090317). An algorithm developed to predict the effect of missense changes on protein structure and function (PolyPhen-2) suggests that this variant is likely to be disruptive. In summary, the available evidence is currently insufficient to determine the role of this variant in disease. Therefore, it has been classified as a Variant of Uncertain Significance.

Ambry Genetics
Classification: Uncertain significance for Cardiovascular phenotype. Last evaluated: 2025-07-10. Review status: criteria provided, single submitter. Criteria: Ambry Variant Classification Scheme 2023. Collection method: clinical testing. Allele origin: germline.
Comment: The p.Q676E variant (also known as c.2026C>G), located in coding exon 8 of the KCNH2 gene, results from a C to G substitution at nucleotide position 2026. The glutamine at codon 676 is replaced by glutamic acid, an amino acid with highly similar properties. This amino acid position is highly conserved in available vertebrate species. In addition, this alteration is predicted to be deleterious by in silico analysis. Based on the available evidence, the clinical significance of this variant remains unclear.